The following is an entry in ClinVar:

ClinVar aggregate classification (germline): Uncertain significance (1 of 4 stars; one submission).

Allele frequency attached by ClinVar (database versions not stated): gnomAD exomes below 0.00001; gnomAD 0.00001.

Submission:

Labcorp Genetics (formerly Invitae), Labcorp
Classification: Uncertain significance. Last evaluated: 2024-11-18. Review status: criteria provided, single submitter. Criteria: Invitae Variant Classification Sherloc (09022015). Collection method: clinical testing. Allele origin: germline.
Comment: This sequence change replaces arginine, which is basic and polar, with cysteine, which is neutral and slightly polar, at codon 1932 of the KIAA1549 protein (p.Arg1932Cys). This variant is present in population databases (no rsID available, gnomAD 0.01%). This variant has not been reported in the literature in individuals affected with KIAA1549-related conditions. ClinVar contains an entry for this variant (Variation ID: 855129). An algorithm developed to predict the effect of missense changes on protein structure and function (PolyPhen-2) suggests that this variant is likely to be disruptive. In summary, the available evidence is currently insufficient to determine the role of this variant in disease. Therefore, it has been classified as a Variant of Uncertain Significance.

NM_001164665.2(KIAA1549):c.5794C>T (p.Arg1932Cys)

Gene: KIAA1549 (KIAA1549; minus strand). Cytogenetic location: 7q34.
Variant type: single nucleotide variant.
Coding change: c.5794C>T on transcript NM_001164665.2 (MANE Select); coding-DNA position 5794, C replaced by T.
Protein change: p.Arg1932Cys; replaces arginine 1932 with cysteine.
Molecular consequence: missense variant.
Genome position (GRCh38, 1-based): chr7:138,837,965, G>A on the plus strand (C>T on the coding strand, the complement: KIAA1549 is on the minus strand). VCF-style: chr7-138837965-G-A. GRCh37 (hg19) VCF-style: chr7-138522710-G-A.
Other names: c.5746C>T, p.Arg1916Cys (NM_020910.3); short protein forms R1932C, R1916C.
Identifiers: ClinVar variation 855129 (VCV000855129.6), dbSNP rs959724135, ClinGen allele CA167135385.